The following is an entry in ClinVar:

NM_000051.4(ATM):c.1578A>G (p.Leu526=)

Gene: ATM (ATM serine/threonine kinase; plus strand). Cytogenetic location: 11q22.3.
Variant type: single nucleotide variant.
Coding change: c.1578A>G on transcript NM_000051.4 (MANE Select); coding-DNA position 1578, A replaced by G.
Protein change: p.Leu526=; no amino-acid change (leucine 526 retained).
Molecular consequence: synonymous variant.
Genome position (GRCh38, 1-based): chr11:108,251,043, A>G. VCF-style: chr11-108251043-A-G. GRCh37 (hg19) VCF-style: chr11-108121770-A-G.
Other names: c.1578A>G, p.Leu526= (NM_001351834.2).
Identifiers: ClinVar variation 819578 (VCV000819578.5), dbSNP rs1591524857, ClinGen allele CA476744916.

ClinVar aggregate classification (germline): Benign/Likely benign. Review status: criteria provided, multiple submitters, no conflicts (2 of 4 stars). 2 submissions from 2 submitters: Benign (1); Likely benign (1). Last evaluated 2024-04-29.

Conditions:
Hereditary cancer-predisposing syndrome. Also called: Neoplastic Syndromes, Hereditary; Tumor predisposition; Hereditary Cancer Syndrome; Hereditary neoplastic syndrome. Identifiers: Orphanet 140162, MedGen C0027672, MeSH D009386, MONDO:0015356.
Familial cancer of breast. Also called: BREAST CANCER, FAMILIAL; Hereditary breast cancer; hereditary breast carcinoma. Identifiers: Orphanet 227535, MedGen C0346153, MONDO:0016419, OMIM 114480. Disease mechanism: loss of function.

Submissions (2):

Myriad Genetics, Inc.
Classification: Benign for Familial cancer of breast. Last evaluated: 2024-04-29. Review status: criteria provided, single submitter. Criteria: Myriad Autosomal Dominant, Autosomal Recessive and X-Linked Classification Criteria (2023). Collection method: clinical testing. Allele origin: unknown.
Comment: This variant is considered benign. This variant is a silent/synonymous amino acid change and it is not expected to impact splicing.

Ambry Genetics
Classification: Likely benign for Hereditary cancer-predisposing syndrome. Last evaluated: 2018-07-24. Review status: criteria provided, single submitter. Criteria: Ambry Variant Classification Scheme 2023. Collection method: clinical testing. Allele origin: germline.